The following is an entry in ClinVar:

ClinVar aggregate classification (germline): Likely benign. Review status: criteria provided, multiple submitters, no conflicts (2 of 4 stars). 2 submissions from 2 submitters: Likely benign (2). Last evaluated 2025-09-01.

Allele frequency attached by ClinVar (database versions not stated): gnomAD 0.00003; TOPMed 0.00004; gnomAD exomes 0.00005; ExAC 0.00011.

Submissions (2):

CeGaT Center for Human Genetics Tuebingen
Classification: Likely benign. Last evaluated: 2025-09-01. Review status: criteria provided, single submitter. Criteria: CeGaT Center For Human Genetics Tuebingen Variant Classification Criteria Version 2. Collection method: clinical testing. Allele origin: germline. Affected: yes. Observed: 1 variant allele.
Comment: NAXD: BP4, BP7

Labcorp Genetics (formerly Invitae), Labcorp
Classification: Likely benign. Last evaluated: 2022-09-01. Review status: criteria provided, single submitter. Criteria: Invitae Variant Classification Sherloc (09022015). Collection method: clinical testing. Allele origin: germline.

NM_001242882.2(NAXD):c.46+39C>T

Genes: NAXD-AS1 (NAXD antisense RNA 1; minus strand), NAXD (NAD(P)HX dehydratase; plus strand). Cytogenetic location: 13q34.
Variant type: single nucleotide variant.
Coding change: c.46+39C>T on transcript NM_001242882.2 (MANE Select); 39 bases into the intron after coding-DNA position 46, C replaced by T.
Molecular consequence: intron variant. On other transcripts: synonymous variant (2).
Genome position (GRCh38, 1-based): chr13:110,615,686, C>T. VCF-style: chr13-110615686-C-T. GRCh37 (hg19) VCF-style: chr13-111268033-C-T.
Other names: c.12C>T, p.Arg4= (NM_001242881.2, NM_018210.4); c.56+39C>T (NM_001242883.2).
Identifiers: ClinVar variation 1423940 (VCV001423940.15), dbSNP rs781696886, ClinGen allele CA7050995.